The following is an entry in ClinVar:

ClinVar aggregate classification (germline): Uncertain significance (1 of 4 stars; one submission).

gnomAD v4.1: 2 of 1,612,564 alleles (0.00012%); highest among the groups gnomAD compares: Non-Finnish European, 0.00017%; no homozygotes.

Submission:

GeneDx
Classification: Uncertain significance. Last evaluated: 2024-03-12. Review status: criteria provided, single submitter. Criteria: GeneDx Variant Classification Process June 2021. Collection method: clinical testing. Allele origin: germline. Affected: yes.
Comment: Not observed at significant frequency in large population cohorts (gnomAD); In silico analysis supports that this missense variant has a deleterious effect on protein structure/function; Has not been previously published as pathogenic or benign to our knowledge

NM_001349338.3(FOXP1):c.1661C>T (p.Ser554Phe)

Gene: FOXP1 (forkhead box P1; minus strand). Cytogenetic location: 3p13.
Variant type: single nucleotide variant.
Coding change: c.1661C>T on transcript NM_001349338.3 (MANE Select); coding-DNA position 1661, C replaced by T.
Protein change: p.Ser554Phe; replaces serine 554 with phenylalanine.
Molecular consequence: missense variant. On other transcripts: non-coding transcript variant (2).
Genome position (GRCh38, 1-based): chr3:70,970,797, G>A on the plus strand (C>T on the coding strand, the complement: FOXP1 is on the minus strand). VCF-style: chr3-70970797-G-A. GRCh37 (hg19) VCF-style: chr3-71019948-G-A.
Other names: c.1658C>T, p.Ser553Phe (NM_001244808.3, NM_001349341.3); c.1709C>T, p.Ser570Phe (NM_001244810.2); c.1433C>T, p.Ser478Phe (NM_001244812.3); c.1361C>T, p.Ser454Phe (NM_001244813.3, NM_001244815.2, NM_001349342.3); c.1661C>T, p.Ser554Phe (NM_001244814.3, NM_001244816.2, NM_001349340.3 and 1 more transcripts); c.1358C>T, p.Ser453Phe (NM_001349337.2, NM_001349343.3, NM_001349344.3 and 1 more transcripts); short protein forms S453F, S454F, S478F, S553F, S554F, S570F.
Identifiers: ClinVar variation 3340548 (VCV003340548.1).
Genomic context (GRCh38, chr3:70,970,797, plus strand): 5'-TGTAAAGCTGCATTGAGAGGTGTGCAGTAGGCGTGGCTGCTCTGCATGTTTTTAATAAGG[G>A]AAGGGTTACTGTGTAAGAAAAACATAAAAACTCAAAGTTAAACACAGTCGACTGCTGAGT-3'
Protein context (NP_001336267.1, residues 544-564): RRPQKISGNP[Ser554Phe]LIKNMQSSHA